The following is an entry in ClinVar:

NM_001267550.2(TTN):c.75950C>G (p.Thr25317Ser)

Genes: TTN (titin; minus strand), TTN-AS1 (TTN antisense RNA 1; plus strand). Cytogenetic location: 2q31.2.
Variant type: single nucleotide variant.
Coding change: c.75950C>G on transcript NM_001267550.2 (MANE Select); coding-DNA position 75950, C replaced by G.
Protein change: p.Thr25317Ser; replaces threonine 25317 with serine.
Molecular consequence: missense variant.
Genome position (GRCh38, 1-based): chr2:178,570,182, G>C on the plus strand (C>G on the coding strand, the complement: TTN is on the minus strand). VCF-style: chr2-178570182-G-C. GRCh37 (hg19) VCF-style: chr2-179434909-G-C.
Other names: c.71027C>G, p.Thr23676Ser (NM_001256850.1); c.48755C>G, p.Thr16252Ser (NM_003319.4); c.68246C>G, p.Thr22749Ser (NM_133378.4); c.49130C>G, p.Thr16377Ser (NM_133432.3); c.49331C>G, p.Thr16444Ser (NM_133437.4); short protein forms T16252S, T16377S, T16444S, T22749S, T23676S, T25317S.
Identifiers: ClinVar variation 4076529 (VCV004076529.1).

ClinVar aggregate classification (germline): Uncertain significance (1 of 4 stars; one submission).

Submission:

GeneDx
Classification: Uncertain significance. Last evaluated: 2025-02-25. Review status: criteria provided, single submitter. Criteria: GeneDx Variant Classification Process June 2021. Collection method: clinical testing. Allele origin: germline. Affected: yes.
Comment: Not observed at significant frequency in large population cohorts (gnomAD); Missense variant in a gene in which most reported pathogenic variants are truncating/loss of function; Has not been previously published as pathogenic or benign to our knowledge